The following is an entry in ClinVar:

NM_000094.4(COL7A1):c.4198-1G>A

Gene: COL7A1 (collagen type VII alpha 1 chain; minus strand). Cytogenetic location: 3p21.31.
Variant type: single nucleotide variant.
Coding change: c.4198-1G>A on transcript NM_000094.4 (MANE Select); the canonical splice acceptor site of the intron before coding-DNA position 4198, G replaced by A.
Molecular consequence: splice acceptor variant.
Genome position (GRCh38, 1-based): chr3:48,584,062, C>T on the plus strand (G>A on the coding strand, the complement: COL7A1 is on the minus strand). VCF-style: chr3-48584062-C-T. GRCh37 (hg19) VCF-style: chr3-48621495-C-T.
Identifiers: ClinVar variation 3367087 (VCV003367087.1).
Genomic context (GRCh38, chr3:48,584,062, plus strand): 5'-AGCCACCCCTAGCACAACCTGTCCCTCACTTACCCGCTCCCCACGATCGCCTTTGTCACC[C>T]TAGAAAACAGATGACGACCCCATGACCCTGGGCCACACCTCACTCCCAAAGATACCAGGA-3'

ClinVar aggregate classification (germline): Likely pathogenic (1 of 4 stars; one submission).

Conditions:
Recessive dystrophic epidermolysis bullosa (RDEB). Also called: DYSTROPHIC EPIDERMOLYSIS BULLOSA, AUTOSOMAL RECESSIVE; EPIDERMOLYSIS BULLOSA DYSTROPHICA, HALLOPEAU-SIEMENS TYPE; Hallopeau-Siemens Disease; EPIDERMOLYSIS BULLOSA DYSTROPHICA, GENERALIZED SEVERE, AUTOSOMAL RECESSIVE; epidermolysis bullosa dystrophica, autosomal recessive; Recessive DEB (RDEB). Identifiers: Orphanet 79408, Orphanet 79409, MedGen C0079474, MONDO:0009179, OMIM 226600.

gnomAD v4.1: 1 of 1,614,158 alleles (0.000062%); highest among the groups gnomAD compares: Middle Eastern, 0.016%; no homozygotes.

Submission:

Neuberg Centre For Genomic Medicine, NCGM
Classification: Likely pathogenic for Recessive dystrophic epidermolysis bullosa. Last evaluated: 2023-05-20. Review status: criteria provided, single submitter. Criteria: ACMG Guidelines, 2015. Collection method: clinical testing. Allele origin: germline. Inheritance: Autosomal recessive inheritance. Affected: yes.
Comment: The observed invariant splice acceptor c.4198-1G>A variant in COL7A1 gene has not been reported as a pathogenic variant nor a benign variant, to our knowldge. The c.4198-1G>A variant is absent in gnomAD Exomes. This variant has not been submitted to the ClinVar database. SpliceAI predicts this variant to cause splice acceptor loss (0.73). Loss of function variants have been previously reported to be disease causing. For these reasons, this variant has been classified as Likely Pathogenic.